The following is an entry in ClinVar:

ClinVar aggregate classification (germline): Uncertain significance. Review status: criteria provided, multiple submitters, no conflicts (2 of 4 stars). 2 submissions from 2 submitters: Uncertain significance (2). Last evaluated 2025-03-05.

Conditions:
Congenital myasthenic syndrome (CMS). Also called: Congenital Myasthenic Syndromes. Identifiers: Orphanet 590, MedGen C0751882, MeSH D020294, MONDO:0018940.

gnomAD v4.1: 6 of 1,610,882 alleles (0.00037%); highest among the groups gnomAD compares: South Asian, 0.0011%; no homozygotes.

Submissions (2):

Dasa
Classification: Uncertain significance. Last evaluated: 2025-03-05. Review status: criteria provided, single submitter. Criteria: DASA Assertion Criteria. Collection method: clinical testing. Allele origin: germline.
Comment: NM_000080.4(CHRNE):c.1291G>A (p.Ala431Thr) is a missense variant that results in the substitution of alanine with threonine. The affected residue or protein region has prior evidence supporting clinical relevance. This variant is rare in population databases. The currently available literature and clinical evidence are not sufficient to establish a definitive association between this variant and the reported condition. Therefore, this variant is classified as a variant of uncertain significance.

Department of Pathology and Laboratory Medicine, Sinai Health System
Classification: Uncertain significance for congenital myasthenic syndrome. Last evaluated: 2022-04-14. Review status: criteria provided, single submitter. Criteria: ACMG Guidelines, 2015. Collection method: research. Allele origin: germline.

NM_000080.4(CHRNE):c.1291G>A (p.Ala431Thr)

Gene: CHRNE (cholinergic receptor nicotinic epsilon subunit; minus strand). Cytogenetic location: 17p13.2.
Variant type: single nucleotide variant.
Coding change: c.1291G>A on transcript NM_000080.4 (MANE Select); coding-DNA position 1291, G replaced by A.
Protein change: p.Ala431Thr; replaces alanine 431 with threonine.
Molecular consequence: missense variant.
Genome position (GRCh38, 1-based): chr17:4,899,036, C>T on the plus strand (G>A on the coding strand, the complement: CHRNE is on the minus strand). VCF-style: chr17-4899036-C-T. GRCh37 (hg19) VCF-style: chr17-4802331-C-T.
Other names: short protein forms A431T.
Identifiers: ClinVar variation 3779078 (VCV003779078.3).